The following is an entry in ClinVar:

ClinVar aggregate classification (germline): Conflicting classifications of pathogenicity. Review status: criteria provided, conflicting classifications (1 of 4 stars). 2 submissions from 2 submitters: Uncertain significance (1); Likely benign (1). Last evaluated 2025-11-04.

Conditions:
Chuvash polycythemia. Also called: POLYCYTHEMIA, VHL-DEPENDENT. Identifiers: Orphanet 238557, MedGen C1837915, MONDO:0009892, OMIM 263400.
Von Hippel-Lindau syndrome (VHLS). Also called: Von Hippel-Lindau; von Hippel–Lindau syndrome; VHL syndrome. Identifiers: Orphanet 892, MedGen C0019562, MONDO:0008667, OMIM 193300. Disease mechanism: loss of function.

Submissions (2):

Labcorp Genetics (formerly Invitae), Labcorp
Classification: Uncertain significance for Von Hippel-Lindau syndrome; Chuvash polycythemia. Last evaluated: 2025-11-04. Review status: criteria provided, single submitter. Criteria: Invitae Variant Classification Sherloc (09022015). Collection method: clinical testing. Allele origin: germline.
Comment: This variant occurs in a non-coding region of the VHL gene. It does not change the encoded amino acid sequence of the VHL protein. This variant is not present in population databases (gnomAD no frequency). This variant has not been reported in the literature in individuals affected with VHL-related conditions. ClinVar contains an entry for this variant (Variation ID: 511068). Experimental studies and prediction algorithms are not available or were not evaluated, and the functional significance of this variant is currently unknown. In summary, the available evidence is currently insufficient to determine the role of this variant in disease. Therefore, it has been classified as a Variant of Uncertain Significance.

GeneDx
Classification: Likely benign. Last evaluated: 2017-07-28. Review status: criteria provided, single submitter. Criteria: GeneDx Variant Classification (06012015). Collection method: clinical testing. Allele origin: germline. Affected: yes.
Comment: This variant is considered likely benign or benign based on one or more of the following criteria: it is a conservative change, it occurs at a poorly conserved position in the protein, it is predicted to be benign by multiple in silico algorithms, and/or has population frequency not consistent with disease.

NM_000551.4(VHL):c.-48C>G

Gene: VHL (von Hippel-Lindau tumor suppressor; plus strand). Cytogenetic location: 3p25.3.
Variant type: single nucleotide variant.
Coding change: c.-48C>G on transcript NM_000551.4 (MANE Select); 48 bases upstream of the start codon, C replaced by G.
Molecular consequence: 5 prime UTR variant.
Genome position (GRCh38, 1-based): chr3:10,141,800, C>G. VCF-style: chr3-10141800-C-G. GRCh37 (hg19) VCF-style: chr3-10183484-C-G.
Other names: c.-48C>G (NM_001354723.2, NM_198156.3).
Identifiers: ClinVar variation 511068 (VCV000511068.2), dbSNP rs973379327, ClinGen allele CA658796230.